The following is an entry in ClinVar:

NM_032444.4(SLX4):c.2161-1G>A

Gene: SLX4 (SLX4 structure-specific endonuclease subunit; minus strand). Cytogenetic location: 16p13.3.
Variant type: single nucleotide variant.
Coding change: c.2161-1G>A on transcript NM_032444.4 (MANE Select); the canonical splice acceptor site of the intron before coding-DNA position 2161, G replaced by A.
Molecular consequence: splice acceptor variant.
Genome position (GRCh38, 1-based): chr16:3,592,866, C>T on the plus strand (G>A on the coding strand, the complement: SLX4 is on the minus strand). VCF-style: chr16-3592866-C-T. GRCh37 (hg19) VCF-style: chr16-3642867-C-T.
Identifiers: ClinVar variation 3703562 (VCV003703562.2).

ClinVar aggregate classification (germline): Likely pathogenic (1 of 4 stars; one submission).

Conditions:
Fanconi anemia (FA). Also called: Fanconi's anemia. Identifiers: Orphanet 84, MedGen C0015625, MeSH D005199, MONDO:0019391.

gnomAD v4.1: 1 of 1,609,054 alleles (0.000062%); highest among the groups gnomAD compares: Non-Finnish European, 0.000085%; no homozygotes.

Submission:

Labcorp Genetics (formerly Invitae), Labcorp
Classification: Likely pathogenic for Fanconi anemia. Last evaluated: 2024-02-23. Review status: criteria provided, single submitter. Criteria: Invitae Variant Classification Sherloc (09022015). Collection method: clinical testing. Allele origin: germline.
Comment: This sequence change affects an acceptor splice site in intron 10 of the SLX4 gene. It is expected to disrupt RNA splicing. Variants that disrupt the donor or acceptor splice site typically lead to a loss of protein function (PMID: 16199547), and loss-of-function variants in SLX4 are known to be pathogenic (PMID: 21240277). This variant is not present in population databases (gnomAD no frequency). This variant has not been reported in the literature in individuals affected with SLX4-related conditions. Algorithms developed to predict the effect of sequence changes on RNA splicing suggest that this variant may disrupt the consensus splice site. In summary, the currently available evidence indicates that the variant is pathogenic, but additional data are needed to prove that conclusively. Therefore, this variant has been classified as Likely Pathogenic.

Literature cited by the submitters: PubMed 16199547; PubMed 21240277.